The following is an entry in ClinVar:

ClinVar aggregate classification (germline): Likely benign (1 of 4 stars; one submission).

Allele frequency attached by ClinVar (database versions not stated): 1000 Genomes Project 30x 0.00031; 1000 Genomes Project 0.00040; ESP Exome Variant Server 0.00115; gnomAD 0.00123; ExAC 0.00129; gnomAD exomes 0.00145; TOPMed 0.00145.
gnomAD v4.1: 2,344 of 1,614,156 alleles (0.15%); highest among the groups gnomAD compares: Middle Eastern, 0.23%; 2 homozygotes.

Submission:

CeGaT Center for Human Genetics Tuebingen
Classification: Likely benign. Last evaluated: 2023-09-01. Review status: criteria provided, single submitter. Criteria: CeGaT Center For Human Genetics Tuebingen Variant Classification Criteria Version 2. Collection method: clinical testing. Allele origin: germline. Affected: yes. Observed: 1 variant allele.
Comment: EPHB6: BP4

NM_004445.6(EPHB6):c.1988C>T (p.Ala663Val)

Gene: EPHB6 (EPH receptor B6; plus strand). Cytogenetic location: 7q34.
Variant type: single nucleotide variant.
Coding change: c.1988C>T on transcript NM_004445.6 (MANE Select); coding-DNA position 1988, C replaced by T.
Protein change: p.Ala663Val; replaces alanine 663 with valine.
Molecular consequence: missense variant. On other transcripts: non-coding transcript variant (1).
Genome position (GRCh38, 1-based): chr7:142,868,310, C>T. VCF-style: chr7-142868310-C-T. GRCh37 (hg19) VCF-style: chr7-142566065-C-T.
Other names: c.1109C>T, p.Ala370Val (NM_001280794.3, NM_001280795.2); short protein forms A370V, A663V.
Identifiers: ClinVar variation 2658106 (VCV002658106.24), dbSNP rs35984674, ClinGen allele CA4531917.